The following is an entry in ClinVar:

NM_018972.4(GDAP1):c.947C>A (p.Ala316Asp)

Gene: GDAP1 (ganglioside induced differentiation associated protein 1; plus strand). Cytogenetic location: 8q21.11.
Variant type: single nucleotide variant.
Coding change: c.947C>A on transcript NM_018972.4 (MANE Select); coding-DNA position 947, C replaced by A.
Protein change: p.Ala316Asp; replaces alanine 316 with aspartic acid.
Molecular consequence: missense variant. On other transcripts: intron variant (1).
Genome position (GRCh38, 1-based): chr8:74,364,237, C>A. VCF-style: chr8-74364237-C-A. GRCh37 (hg19) VCF-style: chr8-75276472-C-A.
Other names: c.743C>A, p.Ala248Asp (NM_001040875.4); c.620C>A, p.Ala207Asp (NM_001362929.2, NM_001362932.2); c.773C>A, p.Ala258Asp (NM_001362930.2); c.694+1184C>A (NM_001362931.2); short protein forms A248D, A258D, A207D, A316D.
Identifiers: ClinVar variation 2868300 (VCV002868300.3), dbSNP rs1563445392, ClinGen allele CA371550602.

ClinVar aggregate classification (germline): Uncertain significance (1 of 4 stars; one submission).

Conditions:
Charcot-Marie-Tooth disease type 4A. Also called: Charcot-Marie-Tooth disease, demyelinating, autosomal recessive, type 4a. Identifiers: Orphanet 99948, MedGen C1859198, MONDO:0008961, OMIM 214400.

Submission:

Labcorp Genetics (formerly Invitae), Labcorp
Classification: Uncertain significance for Charcot-Marie-Tooth disease type 4A. Last evaluated: 2023-01-19. Review status: criteria provided, single submitter. Criteria: Invitae Variant Classification Sherloc (09022015). Collection method: clinical testing. Allele origin: germline.
Comment: In summary, the available evidence is currently insufficient to determine the role of this variant in disease. Therefore, it has been classified as a Variant of Uncertain Significance. Algorithms developed to predict the effect of missense changes on protein structure and function are either unavailable or do not agree on the potential impact of this missense change (SIFT: "Tolerated"; PolyPhen-2: "Probably Damaging"; Align-GVGD: "Class C0"). This variant has not been reported in the literature in individuals affected with GDAP1-related conditions. This variant is not present in population databases (gnomAD no frequency). This sequence change replaces alanine, which is neutral and non-polar, with aspartic acid, which is acidic and polar, at codon 316 of the GDAP1 protein (p.Ala316Asp).